The following is an entry in ClinVar:

ClinVar aggregate classification (germline): Likely pathogenic (1 of 4 stars; one submission).

Conditions:
Brachydactyly type E1 (BDE1). Identifiers: Orphanet 93387, MedGen C1862102, MONDO:0007223, OMIM 113300.

Submission:

Harry Perkins Institute Of Medical Research, University Of Western Australia
Classification: Likely pathogenic for Brachydactyly type E1. Last evaluated: 2024-09-02. Review status: criteria provided, single submitter. Criteria: ACMG Guidelines, 2015. Collection method: case-control. Allele origin: germline. Inheritance: Autosomal dominant inheritance. Affected: yes. Observed: 9 variant alleles, 9 heterozygotes.
Comment: The Glu469Lys variant in PTH1R is highly conserved in mammals, absent from gnomAD v4, segregates in a large family, and is predicted to be high impact. Variants in this gene have already been associated with similar phenotypes. Functional studies in HEK-293 cells and mice showed the variant to be moderately LOF. For these reasons, we have classified the variant as likely pathogenic.

NM_000316.3(PTH1R):c.1405G>A (p.Glu469Lys)

Gene: PTH1R (parathyroid hormone 1 receptor; plus strand). Cytogenetic location: 3p21.31.
Variant type: single nucleotide variant.
Coding change: c.1405G>A on transcript NM_000316.3 (MANE Select); coding-DNA position 1405, G replaced by A.
Protein change: p.Glu469Lys; replaces glutamic acid 469 with lysine.
Molecular consequence: missense variant.
Genome position (GRCh38, 1-based): chr3:46,903,279, G>A. VCF-style: chr3-46903279-G-A. GRCh37 (hg19) VCF-style: chr3-46944769-G-A.
Other names: c.1405G>A, p.Glu469Lys (NM_001184744.1); short protein forms E469K.
Identifiers: ClinVar variation 3338640 (VCV003338640.2).